The following is an entry in ClinVar:

NC_000002.12:g.(?_239085803)_(239087614_?)del

Genes: HDAC4 (histone deacetylase 4; minus strand), MIR4441 (microRNA 4441; minus strand). Cytogenetic location: 2q37.3.
Variant type: Deletion.
Identifiers: ClinVar variation 662280 (VCV000662280.5).

ClinVar aggregate classification (germline): Uncertain significance (1 of 4 stars; one submission).

Submission:

Labcorp Genetics (formerly Invitae), Labcorp
Classification: Uncertain significance. Last evaluated: 2019-05-21. Review status: criteria provided, single submitter. Criteria: Invitae Variant Classification Sherloc (09022015). Collection method: clinical testing. Allele origin: germline.
Comment: In summary, the available evidence is currently insufficient to determine the role of this variant in disease. Therefore, it has been classified as a Variant of Uncertain Significance. The current clinical and genetic evidence is not sufficient to establish whether loss-of-function variants in HDAC4 cause disease. This variant has not been reported in the literature in individuals with HDAC4-related conditions. This variant is an out-of-frame deletion of the genomic region encompassing exon 19 of the HDAC4 gene. This is expected to create a premature translational stop signal and result in an absent or disrupted protein product.